The following is an entry in ClinVar:

NM_001366385.1(CARD14):c.2155C>T (p.His719Tyr)

Genes: CARD14 (caspase recruitment domain family member 14; plus strand), SGSH (N-sulfoglucosamine sulfohydrolase; minus strand). Cytogenetic location: 17q25.3.
Variant type: single nucleotide variant.
Coding change: c.2155C>T on transcript NM_001366385.1 (MANE Select); coding-DNA position 2155, C replaced by T.
Protein change: p.His719Tyr; replaces histidine 719 with tyrosine.
Molecular consequence: missense variant. On other transcripts: non-coding transcript variant (1).
Genome position (GRCh38, 1-based): chr17:80,202,356, C>T. VCF-style: chr17-80202356-C-T. GRCh37 (hg19) VCF-style: chr17-78176155-C-T.
Other names: c.2155C>T, p.His719Tyr (NM_001257970.1, NM_024110.4); short protein forms H719Y.
Identifiers: ClinVar variation 5020934 (VCV005020934.1).
Genomic context (GRCh38, chr17:80,202,356, plus strand): 5'-TGCAACGAGGTCCTGCACGTCACCGACACCATGTTCCAGGGCTGCGGCTGCTGGCATGCC[C>T]ACCGCGTGAACTCTTACACCATGAAGGATACTGCCGCGCACGGCACCATCCCCAACTACT-3'
Protein context (NP_001353314.1, residues 709-729): MFQGCGCWHA[His719Tyr]RVNSYTMKDT

ClinVar aggregate classification (germline): Uncertain significance (1 of 4 stars; one submission).

Submission:

Dasa
Classification: Uncertain significance. Last evaluated: 2025-06-19. Review status: criteria provided, single submitter. Criteria: DASA Assertion Criteria. Collection method: clinical testing. Allele origin: germline.
Comment: NM_001366385.1(CARD14):c.2155C>T (p.His719Tyr) is a missense variant that results in the substitution of histidine with tyrosine. This variant is absent from population databases. Computational prediction algorithms are consistent with a benign effect. The currently available literature and clinical evidence are not sufficient to establish a definitive association between this variant and the reported condition. Therefore, this variant is classified as a variant of uncertain significance.